The following is an entry in ClinVar:

ClinVar aggregate classification (germline): Uncertain significance. Review status: criteria provided, multiple submitters, no conflicts (2 of 4 stars). 2 submissions from 2 submitters: Uncertain significance (2). Last evaluated 2022-12-25.

Conditions:
Pitt-Hopkins-like syndrome 2 (PTHSL2). Identifiers: Orphanet 221150, Orphanet 600663, MedGen C3280479, MONDO:0013690, OMIM 614325.

Allele frequency attached by ClinVar (database versions not stated): gnomAD exomes below 0.00001.
gnomAD v4.1: 1 of 1,613,948 alleles (0.000062%); highest among the groups gnomAD compares: African/African-American, 0.0013%; no homozygotes.

Submissions (2):

Labcorp Genetics (formerly Invitae), Labcorp
Classification: Uncertain significance for Pitt-Hopkins-like syndrome 2. Last evaluated: 2022-12-25. Review status: criteria provided, single submitter. Criteria: Invitae Variant Classification Sherloc (09022015). Collection method: clinical testing. Allele origin: germline.
Comment: In summary, the available evidence is currently insufficient to determine the role of this variant in disease. Therefore, it has been classified as a Variant of Uncertain Significance. Advanced modeling of protein sequence and biophysical properties (such as structural, functional, and spatial information, amino acid conservation, physicochemical variation, residue mobility, and thermodynamic stability) performed at Invitae indicates that this missense variant is not expected to disrupt NRXN1 protein function. This variant has not been reported in the literature in individuals affected with NRXN1-related conditions. This variant is not present in population databases (gnomAD no frequency). This sequence change replaces proline, which is neutral and non-polar, with glutamine, which is neutral and polar, at codon 564 of the NRXN1 protein (p.Pro564Gln).

GeneDx
Classification: Uncertain significance. Last evaluated: 2022-09-13. Review status: criteria provided, single submitter. Criteria: GeneDx Variant Classification Process June 2021. Collection method: clinical testing. Allele origin: germline. Affected: yes.
Comment: Not observed at significant frequency in large population cohorts (gnomAD); In silico analysis supports that this missense variant does not alter protein structure/function; Has not been previously published as pathogenic or benign to our knowledge

NM_001330078.2(NRXN1):c.1571C>A (p.Pro524Gln)

Gene: NRXN1 (neurexin 1; minus strand). Cytogenetic location: 2p16.3.
Variant type: single nucleotide variant.
Coding change: c.1571C>A on transcript NM_001330078.2 (MANE Select); coding-DNA position 1571, C replaced by A.
Protein change: p.Pro524Gln; replaces proline 524 with glutamine.
Molecular consequence: missense variant.
Genome position (GRCh38, 1-based): chr2:50,552,775, G>T on the plus strand (C>A on the coding strand, the complement: NRXN1 is on the minus strand). VCF-style: chr2-50552775-G-T. GRCh37 (hg19) VCF-style: chr2-50779913-G-T.
Other names: c.1691C>A, p.Pro564Gln (NM_001135659.3); c.1547C>A, p.Pro516Gln (NM_001330077.2, NM_001330082.2, NM_001330095.2); c.1532C>A, p.Pro511Gln (NM_001330083.2, NM_001330084.2); c.1571C>A, p.Pro524Gln (NM_001330085.2, NM_001330086.2, NM_004801.6); c.1487C>A, p.Pro496Gln (NM_001330087.2, NM_001330096.2); c.1517C>A, p.Pro506Gln (NM_001330088.2); c.1568C>A, p.Pro523Gln (NM_001330093.2); c.1559C>A, p.Pro520Gln (NM_001330094.2); short protein forms P496Q, P506Q, P511Q, P516Q, P520Q, P523Q, P524Q, P564Q.
Identifiers: ClinVar variation 2443393 (VCV002443393.4), dbSNP rs1667716577, ClinGen allele CA346773435.